The following is an entry in ClinVar:

ClinVar aggregate classification (germline): Pathogenic (1 of 4 stars; one submission).

Conditions:
Early-infantile DEE. Also called: Ohtahara syndrome; Early infantile epileptic encephalopathy with suppression bursts; Early infantile epileptic encephalopathy. Identifiers: Orphanet 1934, MedGen C0393706, MONDO:0800491.

Submission:

Labcorp Genetics (formerly Invitae), Labcorp
Classification: Pathogenic for Early-infantile DEE. Last evaluated: 2023-08-04. Review status: criteria provided, single submitter. Criteria: Invitae Variant Classification Sherloc (09022015). Collection method: clinical testing. Allele origin: germline.
Comment: ClinVar contains an entry for this variant (Variation ID: 1477846). This missense change has been observed in individual(s) with clinical features of SCN1A-related conditions (Invitae). In at least one individual the variant was observed to be de novo. This variant is not present in population databases (gnomAD no frequency). This sequence change replaces proline, which is neutral and non-polar, with serine, which is neutral and polar, at codon 346 of the SCN1A protein (p.Pro346Ser). Advanced modeling of protein sequence and biophysical properties (such as structural, functional, and spatial information, amino acid conservation, physicochemical variation, residue mobility, and thermodynamic stability) performed at Invitae indicates that this missense variant is expected to disrupt SCN1A protein function. Algorithms developed to predict the effect of sequence changes on RNA splicing suggest that this variant may disrupt the consensus splice site. For these reasons, this variant has been classified as Pathogenic.

NM_001165963.4(SCN1A):c.1036C>T (p.Pro346Ser)

Gene: SCN1A (sodium voltage-gated channel alpha subunit 1; minus strand). Cytogenetic location: 2q24.3.
Variant type: single nucleotide variant.
Coding change: c.1036C>T on transcript NM_001165963.4 (MANE Select); coding-DNA position 1036, C replaced by T.
Protein change: p.Pro346Ser; replaces proline 346 with serine.
Molecular consequence: missense variant. On other transcripts: 5 prime UTR variant (1), non-coding transcript variant (1).
Genome position (GRCh38, 1-based): chr2:166,047,761, G>A on the plus strand (C>T on the coding strand, the complement: SCN1A is on the minus strand). VCF-style: chr2-166047761-G-A. GRCh37 (hg19) VCF-style: chr2-166904271-G-A.
Other names: c.1036C>T, p.Pro346Ser (NM_001165964.3, NM_001202435.3, NM_001353948.2 and 10 more transcripts); c.-1390C>T (NM_001353961.2); short protein forms P346S.
Identifiers: ClinVar variation 1477846 (VCV001477846.9), dbSNP rs2105868306, ClinGen allele CA349071453.
Genomic context (GRCh38, chr2:166,047,761, plus strand): 5'-CAAAGCTTGTGTAGCCATAATTGGGATTTCTACCAGCTTTCACACACATATATCCCTCTG[G>A]ACATTGGCTGCAAGTGGGGTAAAAGAAAGTATTACAAGTCGTTCTGCTGCCTTTTTACTC-3'
Protein context (NP_001159435.1, residues 336-356): CGNSSDAGQC[Pro346Ser]EGYMCVKAGR